The following is an entry in ClinVar:

ClinVar aggregate classification (germline): Pathogenic. Review status: criteria provided, multiple submitters, no conflicts (2 of 4 stars). 2 submissions from 2 submitters: Pathogenic (2). Last evaluated 2025-05-23.

Allele frequency attached by ClinVar (database versions not stated): gnomAD exomes below 0.00001; TOPMed 0.00008; gnomAD 0.00011; ExAC 0.00001; ESP Exome Variant Server 0.00008.
gnomAD v4.1: 23 of 1,613,850 alleles (0.0014%); highest among the groups gnomAD compares: Admixed American, 0.028%; no homozygotes.

Submissions (2):

GeneDx
Classification: Pathogenic. Last evaluated: 2025-05-23. Review status: criteria provided, single submitter. Criteria: GeneDx Variant Classification Process June 2021. Collection method: clinical testing. Allele origin: germline. Affected: yes.
Comment: Nonsense variant predicted to result in protein truncation or nonsense mediated decay in a gene for which loss of function is a known mechanism of disease; Has not been previously published as pathogenic or benign to our knowledge

Labcorp Genetics (formerly Invitae), Labcorp
Classification: Pathogenic. Last evaluated: 2022-09-17. Review status: criteria provided, single submitter. Criteria: Invitae Variant Classification Sherloc (09022015). Collection method: clinical testing. Allele origin: germline.
Comment: For these reasons, this variant has been classified as Pathogenic. This variant has not been reported in the literature in individuals affected with FERMT1-related conditions. This variant is present in population databases (rs139252668, gnomAD 0.009%). This sequence change creates a premature translational stop signal (p.Trp298*) in the FERMT1 gene. It is expected to result in an absent or disrupted protein product. Loss-of-function variants in FERMT1 are known to be pathogenic (PMID: 14962093, 21936020).

Literature cited by the submitters: PubMed 14962093 (cited by Labcorp Genetics (formerly Invitae), Labcorp); PubMed 21936020 (cited by Labcorp Genetics (formerly Invitae), Labcorp).

NM_017671.5(FERMT1):c.894G>A (p.Trp298Ter)

Gene: FERMT1 (FERM domain containing kindlin 1; minus strand). Cytogenetic location: 20p12.3.
Variant type: single nucleotide variant.
Coding change: c.894G>A on transcript NM_017671.5 (MANE Select); coding-DNA position 894, G replaced by A.
Protein change: p.Trp298Ter; replaces tryptophan 298 with a stop codon.
Molecular consequence: nonsense.
Genome position (GRCh38, 1-based): chr20:6,097,587, C>T on the plus strand (G>A on the coding strand, the complement: FERMT1 is on the minus strand). VCF-style: chr20-6097587-C-T. GRCh37 (hg19) VCF-style: chr20-6078234-C-T.
Other names: c.894G>A (NM_017671.4); short protein forms W298*.
Identifiers: ClinVar variation 2164966 (VCV002164966.3), dbSNP rs139252668, ClinGen allele CA9758313.